The following is an entry in ClinVar:

ClinVar aggregate classification (germline): Benign/Likely benign. Review status: criteria provided, multiple submitters, no conflicts (2 of 4 stars). 11 submissions from 11 submitters: Benign (10); Likely benign (1). Last evaluated 2026-02-04.

Conditions:
Hermansky-Pudlak syndrome 2 (HPS2). Also called: Platelet defects and oculocutaneous albinism. Identifiers: Orphanet 183678, Orphanet 79430, MedGen C1842362, MONDO:0011997, OMIM 608233.

Allele frequency attached by ClinVar (database versions not stated): 1000 Genomes Project 30x 0.81730; gnomAD exomes 0.86110; ExAC 0.86283; TOPMed 0.90817; gnomAD 0.90868 and 0.91917; ESP Exome Variant Server 0.93280.
gnomAD v4.1: 1,461,322 of 1,613,158 alleles (91%); highest among the groups gnomAD compares: African/African-American, 95%; 668,093 homozygotes.

Submissions (11):

Labcorp Genetics (formerly Invitae), Labcorp
Classification: Benign for Hermansky-Pudlak syndrome 2. Last evaluated: 2026-02-04. Review status: criteria provided, single submitter. Criteria: Invitae Variant Classification Sherloc (09022015). Collection method: clinical testing. Allele origin: germline.

Women's Health and Genetics/Laboratory Corporation of America, LabCorp
Classification: Benign. Last evaluated: 2025-02-09. Review status: criteria provided, single submitter. Criteria: LabCorp Variant Classification Summary - May 2015. Collection method: clinical testing. Allele origin: germline.

Blueprint Genetics
Classification: Likely benign. Last evaluated: 2024-11-26. Review status: criteria provided, single submitter. Criteria: ACMG Guidelines, 2015. Collection method: clinical testing. Allele origin: germline.

Unidad de Genómica Garrahan, Hospital de Pediatría Garrahan
Classification: Benign. Last evaluated: 2023-11-12. Review status: criteria provided, single submitter. Criteria: ACMG Guidelines, 2015. Collection method: clinical testing. Allele origin: germline. Affected: no. Observed: 96 variant alleles.
Comment: This variant is classified as Benign based on local population frequency. This variant was detected in 100% of patients studied by a panel of primary immunodeficiencies. Number of patients: 96. Only high quality variants are reported.

Mayo Clinic Laboratories, Mayo Clinic
Classification: Benign. Last evaluated: 2022-09-29. Review status: criteria provided, single submitter. Criteria: ACMG Guidelines, 2015. Collection method: clinical testing. Allele origin: germline. Observed: 2,410 variant alleles.

Genome-Nilou Lab
Classification: Benign for Hermansky-Pudlak syndrome 2. Last evaluated: 2021-07-14. Review status: criteria provided, single submitter. Criteria: ACMG Guidelines, 2015. Collection method: clinical testing. Allele origin: germline. Affected: no.

GeneDx
Classification: Benign. Last evaluated: 2018-12-26. Review status: criteria provided, single submitter. Criteria: GeneDx Variant Classification Process June 2021. Collection method: clinical testing. Allele origin: germline. Affected: yes.

SIB Swiss Institute of Bioinformatics
Classification: Benign. Last evaluated: 2018-05-31. Review status: criteria provided, single submitter. Criteria: ACMG Guidelines, 2015. Collection method: curation. Allele origin: unknown.
Comment: This variant is interpreted as a Benign - Stand Alone. The following ACMG Tag(s) were applied: BA1 => Allele frequency is >10% in Exome Aggregation Consortium.

Laboratory for Molecular Medicine, Mass General Brigham Personalized Medicine
Classification: Benign. Last evaluated: 2013-02-21. Review status: criteria provided, single submitter. Criteria: LMM Criteria. Collection method: clinical testing. Allele origin: germline. Observed: 83 variant alleles.
Comment: Val585Glu in exon 16 of AP3B1: This variant is not expected to have clinical sig nificance because it has been identified in 7.6% (655/8600) of European American chromosomes from a broad population by the NHLBI Exome Sequencing Project (dbSNP rs6453373).

Breakthrough Genomics
Classification: Benign. Review status: criteria provided, single submitter. Criteria: ACMG Guidelines, 2015. Collection method: not provided. Allele origin: germline. Inheritance: Autosomal recessive inheritance. Affected: yes.

PreventionGenetics, part of Exact Sciences
Classification: Benign. Review status: criteria provided, single submitter. Criteria: ACMG Guidelines, 2015. Collection method: clinical testing. Allele origin: germline.

NM_003664.5(AP3B1):c.1754T>A (p.Val585Glu)

Gene: AP3B1 (adaptor related protein complex 3 subunit beta 1; minus strand). Cytogenetic location: 5q14.1.
Variant type: single nucleotide variant.
Coding change: c.1754T>A on transcript NM_003664.5 (MANE Select); coding-DNA position 1754, T replaced by A.
Protein change: p.Val585Glu; replaces valine 585 with glutamic acid.
Molecular consequence: missense variant.
Genome position (GRCh38, 1-based): chr5:78,129,204, A>T on the plus strand (T>A on the coding strand, the complement: AP3B1 is on the minus strand). VCF-style: chr5-78129204-A-T. GRCh37 (hg19) VCF-style: chr5-77425028-A-T.
Other names: NM_001271769.1(AP3B1):c.1607T>A(p.Val536Glu); NM_003664.4(AP3B1):c.1754T>A(p.Val585Glu); c.1607T>A, p.Val536Glu (NM_001271769.2); short protein forms V585E, V536E.
Identifiers: ClinVar variation 162753 (VCV000162753.27), dbSNP rs6453373, ClinGen allele CA175259.